The following is an entry in ClinVar:

ClinVar aggregate classification (germline): Uncertain significance. Review status: criteria provided, multiple submitters, no conflicts (2 of 4 stars). 2 submissions from 2 submitters: Uncertain significance (2). Last evaluated 2026-07-20.

Conditions:
Inborn genetic diseases. Identifiers: MedGen C0950123, MeSH D030342.

Submissions (2):

Ambry Genetics
Classification: Uncertain significance for Inborn genetic diseases. Last evaluated: 2026-07-20. Review status: criteria provided, single submitter. Criteria: Ambry Variant Classification Scheme 2023. Collection method: clinical testing. Allele origin: germline.

Labcorp Genetics (formerly Invitae), Labcorp
Classification: Uncertain significance. Last evaluated: 2021-07-13. Review status: criteria provided, single submitter. Criteria: Invitae Variant Classification Sherloc (09022015). Collection method: clinical testing. Allele origin: germline.
Comment: This variant has not been reported in the literature in individuals affected with DEAF1-related conditions. This sequence change replaces alanine with glycine at codon 28 of the DEAF1 protein (p.Ala28Gly). The alanine residue is weakly conserved and there is a small physicochemical difference between alanine and glycine. The frequency data for this variant in the population databases is considered unreliable, as metrics indicate insufficient coverage at this position in the ExAC database. Algorithms developed to predict the effect of missense changes on protein structure and function are either unavailable or do not agree on the potential impact of this missense change (SIFT: "Deleterious"; PolyPhen-2: "Probably Damaging"; Align-GVGD: "Class C0"). In summary, the available evidence is currently insufficient to determine the role of this variant in disease. Therefore, it has been classified as a Variant of Uncertain Significance.

NM_021008.4(DEAF1):c.83C>G (p.Ala28Gly)

Gene: DEAF1 (DEAF1 transcription factor; minus strand). Cytogenetic location: 11p15.5.
Variant type: single nucleotide variant.
Coding change: c.83C>G on transcript NM_021008.4 (MANE Select); coding-DNA position 83, C replaced by G.
Protein change: p.Ala28Gly; replaces alanine 28 with glycine.
Molecular consequence: missense variant. On other transcripts: intron variant (1).
Genome position (GRCh38, 1-based): chr11:694,965, G>C on the plus strand (C>G on the coding strand, the complement: DEAF1 is on the minus strand). VCF-style: chr11-694965-G-C. GRCh37 (hg19) VCF-style: chr11-694965-G-C.
Other names: c.83C>G, p.Ala28Gly (NM_001293634.2); c.-437-3367C>G (NM_001367390.1); c.83C>G (NM_021008.2); short protein forms A28G.
Identifiers: ClinVar variation 1367059 (VCV001367059.9), dbSNP rs1387137892, ClinGen allele CA378940263.